The following is an entry in ClinVar:

NM_015161.3(ARL6IP1):c.113G>A (p.Arg38Gln)

Gene: ARL6IP1 (ARL6 interacting reticulophagy regulator 1; minus strand). Cytogenetic location: 16p12.3.
Variant type: single nucleotide variant.
Coding change: c.113G>A on transcript NM_015161.3 (MANE Select); coding-DNA position 113, G replaced by A.
Protein change: p.Arg38Gln; replaces arginine 38 with glutamine.
Molecular consequence: missense variant.
Genome position (GRCh38, 1-based): chr16:18,798,758, C>T on the plus strand (G>A on the coding strand, the complement: ARL6IP1 is on the minus strand). VCF-style: chr16-18798758-C-T. GRCh37 (hg19) VCF-style: chr16-18810080-C-T.
Other names: c.26G>A, p.Arg9Gln (NM_001313858.1); short protein forms R38Q, R9Q.
Identifiers: ClinVar variation 2048441 (VCV002048441.4), dbSNP rs375463688, ClinGen allele CA7929546.

ClinVar aggregate classification (germline): Uncertain significance (1 of 4 stars; one submission).

Conditions:
Hereditary spastic paraplegia 61. Also called: Spastic paraplegia 61, autosomal recessive. Identifiers: Orphanet 401780, MedGen C3810294, MONDO:0014304, OMIM 615685.

Allele frequency attached by ClinVar (database versions not stated): ExAC 0.00001; gnomAD exomes 0.00001; gnomAD 0.00001; ESP Exome Variant Server 0.00008.
gnomAD v4.1: 13 of 1,614,066 alleles (0.00081%); highest among the groups gnomAD compares: Middle Eastern, 0.016%; no homozygotes.

Submission:

Labcorp Genetics (formerly Invitae), Labcorp
Classification: Uncertain significance for Hereditary spastic paraplegia 61. Last evaluated: 2023-05-22. Review status: criteria provided, single submitter. Criteria: Invitae Variant Classification Sherloc (09022015). Collection method: clinical testing. Allele origin: germline.
Comment: In summary, the available evidence is currently insufficient to determine the role of this variant in disease. Therefore, it has been classified as a Variant of Uncertain Significance. Experimental studies and prediction algorithms are not available or were not evaluated, and the functional significance of this variant is currently unknown. ClinVar contains an entry for this variant (Variation ID: 2048441). This variant has not been reported in the literature in individuals affected with ARL6IP1-related conditions. This variant is present in population databases (rs375463688, gnomAD 0.02%). This sequence change replaces arginine, which is basic and polar, with glutamine, which is neutral and polar, at codon 38 of the ARL6IP1 protein (p.Arg38Gln).